The following is an entry in ClinVar:

ClinVar aggregate classification (germline): Uncertain significance. Review status: criteria provided, multiple submitters, no conflicts (2 of 4 stars). 2 submissions from 2 submitters: Uncertain significance (2). Last evaluated 2025-08-03.

Conditions:
DICER1-related tumor predisposition. Also called: DICER1-related pleuropulmonary blastoma cancer predisposition syndrome; DICER1 syndrome. Identifiers: Orphanet 284343, MedGen C3839822, MONDO:0100216.
Hereditary cancer-predisposing syndrome. Also called: Neoplastic Syndromes, Hereditary; Hereditary neoplastic syndrome; Tumor predisposition; Hereditary Cancer Syndrome. Identifiers: Orphanet 140162, MedGen C0027672, MeSH D009386, MONDO:0015356.

Submissions (2):

Ambry Genetics
Classification: Uncertain significance for Hereditary cancer-predisposing syndrome. Last evaluated: 2025-08-03. Review status: criteria provided, single submitter. Criteria: Ambry Variant Classification Scheme 2023. Collection method: clinical testing. Allele origin: germline.
Comment: The p.Y771H variant (also known as c.2311T>C), located in coding exon 14 of the DICER1 gene, results from a T to C substitution at nucleotide position 2311. The tyrosine at codon 771 is replaced by histidine, an amino acid with similar properties. This amino acid position is conserved. In addition, this alteration is predicted to be deleterious by in silico analysis. Based on the available evidence, the clinical significance of this variant remains unclear.

Labcorp Genetics (formerly Invitae), Labcorp
Classification: Uncertain significance for DICER1-related tumor predisposition. Last evaluated: 2019-12-26. Review status: criteria provided, single submitter. Criteria: Invitae Variant Classification Sherloc (09022015). Collection method: clinical testing. Allele origin: germline.
Comment: In summary, the available evidence is currently insufficient to determine the role of this variant in disease. Therefore, it has been classified as a Variant of Uncertain Significance. Algorithms developed to predict the effect of missense changes on protein structure and function (SIFT, PolyPhen-2, Align-GVGD) all suggest that this variant is likely to be disruptive, but these predictions have not been confirmed by published functional studies and their clinical significance is uncertain. This variant has not been reported in the literature in individuals with DICER1-related conditions. This variant is not present in population databases (ExAC no frequency). This sequence change replaces tyrosine with histidine at codon 771 of the DICER1 protein (p.Tyr771His). The tyrosine residue is highly conserved and there is a moderate physicochemical difference between tyrosine and histidine.

NM_177438.3(DICER1):c.2311T>C (p.Tyr771His)

Gene: DICER1 (dicer 1, ribonuclease III; minus strand). Cytogenetic location: 14q32.13.
Variant type: single nucleotide variant.
Coding change: c.2311T>C on transcript NM_177438.3 (MANE Select); coding-DNA position 2311, T replaced by C.
Protein change: p.Tyr771His; replaces tyrosine 771 with histidine.
Molecular consequence: missense variant.
Genome position (GRCh38, 1-based): chr14:95,108,449, A>G on the plus strand (T>C on the coding strand, the complement: DICER1 is on the minus strand). VCF-style: chr14-95108449-A-G. GRCh37 (hg19) VCF-style: chr14-95574786-A-G.
Other names: c.2311T>C, p.Tyr771His (NM_001195573.1, NM_001271282.3, NM_001291628.2 and 1 more transcripts); short protein forms Y771H.
Identifiers: ClinVar variation 836696 (VCV000836696.12), dbSNP rs1891658242, ClinGen allele CA390882321.